The following is an entry in ClinVar:

ClinVar aggregate classification (germline): Uncertain significance (1 of 4 stars; one submission).

Submission:

Dasa
Classification: Uncertain significance. Last evaluated: 2025-08-29. Review status: criteria provided, single submitter. Criteria: DASA Assertion Criteria. Collection method: clinical testing. Allele origin: germline.
Comment: NM_052867.4(NALCN):c.545C>A (p.Ser182Tyr) is a missense variant that results in the substitution of serine with tyrosine. This variant is absent from population databases. Computational prediction algorithms are consistent with a deleterious effect. The currently available literature and clinical evidence are not sufficient to establish a definitive association between this variant and the reported condition. Therefore, this variant is classified as a variant of uncertain significance.

NM_052867.4(NALCN):c.545C>A (p.Ser182Tyr)

Gene: NALCN (sodium leak channel, non-selective; minus strand). Cytogenetic location: 13q33.1.
Variant type: single nucleotide variant.
Coding change: c.545C>A on transcript NM_052867.4 (MANE Select); coding-DNA position 545, C replaced by A.
Protein change: p.Ser182Tyr; replaces serine 182 with tyrosine.
Molecular consequence: missense variant.
Genome position (GRCh38, 1-based): chr13:101,376,799, G>T on the plus strand (C>A on the coding strand, the complement: NALCN is on the minus strand). VCF-style: chr13-101376799-G-T. GRCh37 (hg19) VCF-style: chr13-102029150-G-T.
Other names: c.545C>A, p.Ser182Tyr (NM_001350748.2, NM_001350749.2, NM_001350750.2 and 1 more transcripts); short protein forms S182Y.
Identifiers: ClinVar variation 4885780 (VCV004885780.2).